The following is an entry in ClinVar:

NM_001321967.2(ATAD1):c.544A>C (p.Ile182Leu)

Gene: ATAD1 (ATPase family AAA domain containing 1; minus strand). Cytogenetic location: 10q23.31.
Variant type: single nucleotide variant.
Coding change: c.544A>C on transcript NM_001321967.2 (MANE Select); coding-DNA position 544, A replaced by C.
Protein change: p.Ile182Leu; replaces isoleucine 182 with leucine.
Molecular consequence: missense variant. On other transcripts: non-coding transcript variant (1).
Genome position (GRCh38, 1-based): chr10:87,784,509, T>G on the plus strand (A>C on the coding strand, the complement: ATAD1 is on the minus strand). VCF-style: chr10-87784509-T-G. GRCh37 (hg19) VCF-style: chr10-89544266-T-G.
Other names: c.544A>C, p.Ile182Leu (NM_001321968.2, NM_032810.4); c.187A>C, p.Ile63Leu (NM_001321969.2); short protein forms I63L, I182L.
Identifiers: ClinVar variation 2038442 (VCV002038442.4), dbSNP rs1047023231, ClinGen allele CA377491107.

ClinVar aggregate classification (germline): Uncertain significance (1 of 4 stars; one submission).

Submission:

Labcorp Genetics (formerly Invitae), Labcorp
Classification: Uncertain significance. Last evaluated: 2023-07-21. Review status: criteria provided, single submitter. Criteria: Invitae Variant Classification Sherloc (09022015). Collection method: clinical testing. Allele origin: germline.
Comment: In summary, the available evidence is currently insufficient to determine the role of this variant in disease. Therefore, it has been classified as a Variant of Uncertain Significance. An algorithm developed to predict the effect of missense changes on protein structure and function (PolyPhen-2) suggests that this variant is likely to be tolerated. ClinVar contains an entry for this variant (Variation ID: 2038442). This variant has not been reported in the literature in individuals affected with ATAD1-related conditions. This variant is not present in population databases (gnomAD no frequency). This sequence change replaces isoleucine, which is neutral and non-polar, with leucine, which is neutral and non-polar, at codon 182 of the ATAD1 protein (p.Ile182Leu).